The following is an entry in ClinVar:

ClinVar aggregate classification (germline): Uncertain significance (1 of 4 stars; one submission).

gnomAD v4.1: 1 of 1,613,432 alleles (0.000062%); no homozygotes.

Submission:

Labcorp Genetics (formerly Invitae), Labcorp
Classification: Uncertain significance. Last evaluated: 2025-10-13. Review status: criteria provided, single submitter. Criteria: Invitae Variant Classification Sherloc (09022015). Collection method: clinical testing. Allele origin: germline.
Comment: This sequence change replaces proline, which is neutral and non-polar, with leucine, which is neutral and non-polar, at codon 480 of the TBCD protein (p.Pro480Leu). This variant is not present in population databases (gnomAD no frequency). This variant has not been reported in the literature in individuals affected with TBCD-related conditions. ClinVar contains an entry for this variant (Variation ID: 2016347). Invitae Evidence Modeling of protein sequence and biophysical properties (such as structural, functional, and spatial information, amino acid conservation, physicochemical variation, residue mobility, and thermodynamic stability) indicates that this missense variant is expected to disrupt TBCD protein function with a positive predictive value of 80%. In summary, the available evidence is currently insufficient to determine the role of this variant in disease. Therefore, it has been classified as a Variant of Uncertain Significance.

NM_005993.5(TBCD):c.1439C>T (p.Pro480Leu)

Gene: TBCD (tubulin folding cofactor D). Cytogenetic location: 17q25.3.
Variant type: single nucleotide variant.
Coding change: c.1439C>T on transcript NM_005993.5 (MANE Select); coding-DNA position 1439, C replaced by T.
Protein change: p.Pro480Leu; replaces proline 480 with leucine.
Molecular consequence: missense variant.
Genome position (GRCh38, 1-based): chr17:82,870,344, C>T. VCF-style: chr17-82870344-C-T. GRCh37 (hg19) VCF-style: chr17-80828220-C-T.
Other names: c.1388C>T, p.Pro463Leu (NM_001411101.1); c.1439C>T, p.Pro480Leu (NM_001411102.1); short protein forms P463L, P480L.
Identifiers: ClinVar variation 2016347 (VCV002016347.4), dbSNP rs2509944805, ClinGen allele CA401620529.